The following is an entry in ClinVar:

NM_022437.3(ABCG8):c.1117T>C (p.Cys373Arg)

Gene: ABCG8 (ATP binding cassette subfamily G member 8; plus strand). Cytogenetic location: 2p21.
Variant type: single nucleotide variant.
Coding change: c.1117T>C on transcript NM_022437.3 (MANE Select); coding-DNA position 1117, T replaced by C.
Protein change: p.Cys373Arg; replaces cysteine 373 with arginine.
Molecular consequence: missense variant.
Genome position (GRCh38, 1-based): chr2:43,872,128, T>C. VCF-style: chr2-43872128-T-C. GRCh37 (hg19) VCF-style: chr2-44099267-T-C.
Other names: p.Cys373Arg; c.1117T>C, p.Cys373Arg (NM_001357321.2); short protein forms C373R.
Identifiers: ClinVar variation 336075 (VCV000336075.21), dbSNP rs554680915, ClinGen allele CA1637285.
Genomic context (GRCh38, chr2:43,872,128, plus strand): 5'-GTGCGTGACTTAGATGACTTTCTATGGAAAGCAGAGACGAAGGATCTTGACGAGGACACC[T>C]GTGTGGAAAGGTAAGGTGGCAGGCGACTCTGAGAGGAGAGCTCCCTGCAGAAGGTGGCTG-3'
Protein context (NP_071882.1, residues 363-383): AETKDLDEDT[Cys373Arg]VESSVTPLDT

ClinVar aggregate classification (germline): Conflicting classifications of pathogenicity. Review status: criteria provided, conflicting classifications (1 of 4 stars). 8 submissions from 8 submitters: Uncertain significance (4); Benign (1); Likely benign (2). 1 of the submissions does not count toward it. Last evaluated 2025-12-11.

Conditions:
ABCG8-related disorder. Also called: ABCG8-related condition.
Cardiovascular phenotype. Identifiers: MedGen CN230736.
Sitosterolemia 1. Identifiers: MedGen C2749759, MONDO:0020747, OMIM 210250.

Allele frequency attached by ClinVar (database versions not stated): gnomAD exomes 0.00021 and 0.00045; ExAC 0.00051; 1000 Genomes Project 30x 0.00078; 1000 Genomes Project 0.00100; gnomAD 0.00001 and 0.00014; TOPMed 0.00003.

Submissions (8):

Labcorp Genetics (formerly Invitae), Labcorp
Classification: Likely benign. Last evaluated: 2025-12-11. Review status: criteria provided, single submitter. Criteria: Invitae Variant Classification Sherloc (09022015). Collection method: clinical testing. Allele origin: germline.

Women's Health and Genetics/Laboratory Corporation of America, LabCorp
Classification: Likely benign. Last evaluated: 2025-03-17. Review status: criteria provided, single submitter. Criteria: LabCorp Variant Classification Summary - May 2015. Collection method: clinical testing. Allele origin: germline.
Comment: Variant summary: ABCG8 c.1117T>C (p.Cys373Arg) results in a non-conservative amino acid change in the encoded protein sequence. Four of five in-silico tools predict a benign effect of the variant on protein function. The variant allele was found at a frequency of 0.00045 in 251274 control chromosomes, predominantly at a frequency of 0.0035 within the South Asian subpopulation in the gnomAD database. To our knowledge, no occurrence of c.1117T>C in individuals affected with Early Onset Coronary Artery Disease and no experimental evidence demonstrating its impact on protein function have been reported. ClinVar contains an entry for this variant (Variation ID: 336075). Based on the evidence outlined above, the variant was classified as likely benign.

Blueprint Genetics
Classification: Uncertain significance. Last evaluated: 2024-11-19. Review status: criteria provided, single submitter. Criteria: ACMG Guidelines, 2015. Collection method: clinical testing. Allele origin: germline.

Mayo Clinic Laboratories, Mayo Clinic
Classification: Uncertain significance. Last evaluated: 2024-01-10. Review status: criteria provided, single submitter. Criteria: ACMG Guidelines, 2015. Collection method: clinical testing. Allele origin: germline. Observed: 1 variant allele.
Comment: BP4, PM1_supporting

Ambry Genetics
Classification: Uncertain significance for Cardiovascular phenotype. Last evaluated: 2023-12-03. Review status: criteria provided, single submitter. Criteria: Ambry Variant Classification Scheme 2023. Collection method: clinical testing. Allele origin: germline.
Comment: The p.C373R variant (also known as c.1117T>C), located in coding exon 7 of the ABCG8 gene, results from a T to C substitution at nucleotide position 1117. The cysteine at codon 373 is replaced by arginine, an amino acid with highly dissimilar properties. This amino acid position is conserved. In addition, this alteration is predicted to be tolerated by in silico analysis. Since supporting evidence is limited at this time, the clinical significance of this alteration remains unclear.

Illumina Laboratory Services, Illumina
Classification: Uncertain significance for Sitosterolemia 1. Last evaluated: 2018-01-12. Review status: criteria provided, single submitter. Criteria: ICSL Variant Classification Criteria 13 December 2019. Collection method: clinical testing. Allele origin: germline.

Eurofins Ntd Llc (ga)
Classification: Benign. Last evaluated: 2017-05-03. Review status: criteria provided, single submitter. Criteria: EGL Classification Definitions 2015. Collection method: clinical testing. Allele origin: germline. Observed: 1 variant allele, 1 heterozygote.

PreventionGenetics, part of Exact Sciences
Classification: Likely benign for ABCG8-related condition. Last evaluated: 2022-06-14. Review status: no assertion criteria provided. Collection method: clinical testing. Allele origin: germline. Not counted in ClinVar's aggregate classification.
Comment: This variant is classified as likely benign based on ACMG/AMP sequence variant interpretation guidelines (Richards et al. 2015 PMID: 25741868, with internal and published modifications).